The following is an entry in ClinVar:

ClinVar aggregate classification (germline): Uncertain significance. Review status: criteria provided, multiple submitters, no conflicts (2 of 4 stars). 2 submissions from 2 submitters: Uncertain significance (2). Last evaluated 2024-12-04.

Submissions (2):

Dasa
Classification: Uncertain significance. Last evaluated: 2024-12-04. Review status: criteria provided, single submitter. Criteria: DASA Assertion Criteria. Collection method: clinical testing. Allele origin: germline.
Comment: NM_001004334.4(GPR179):c.4019del (p.Pro1340Leufs*60) is a frameshift variant in GPR179 predicted to alter the reading frame and introduce a premature termination codon. This variant is rare in population databases. The currently available literature and clinical evidence are not sufficient to establish a definitive association between this variant and the reported condition. Therefore, this variant is classified as a variant of uncertain significance.

Labcorp Genetics (formerly Invitae), Labcorp
Classification: Uncertain significance. Last evaluated: 2024-07-04. Review status: criteria provided, single submitter. Criteria: Invitae Variant Classification Sherloc (09022015). Collection method: clinical testing. Allele origin: germline.
Comment: This sequence change creates a premature translational stop signal (p.Pro1340Leufs*60) in the GPR179 gene. While this is not anticipated to result in nonsense mediated decay, it is expected to disrupt the last 1028 amino acid(s) of the GPR179 protein. This variant is present in population databases (no rsID available, gnomAD 0.006%). This variant has not been reported in the literature in individuals affected with GPR179-related conditions. ClinVar contains an entry for this variant (Variation ID: 1425356). Experimental studies and prediction algorithms are not available or were not evaluated, and the functional significance of this variant is currently unknown. In summary, the available evidence is currently insufficient to determine the role of this variant in disease. Therefore, it has been classified as a Variant of Uncertain Significance.

NM_001004334.4(GPR179):c.4019del (p.Pro1340fs)

Gene: GPR179 (G protein-coupled receptor 179; minus strand). Cytogenetic location: 17q12.
Variant type: Deletion.
Coding change: c.4019del on transcript NM_001004334.4 (MANE Select); coding-DNA position 4019, one base deleted (C; older notation c.4019delC).
Protein change: p.Pro1340fs; shifts the reading frame from proline 1340.
Molecular consequence: frameshift variant.
Genome position (GRCh38, 1-based): chr17:38,329,550, G deleted on the plus strand (C on the coding strand, the reverse complement: GPR179 is on the minus strand); the first of 3 consecutive G bases (chr17:38,329,550-38,329,552); deleting any one gives the same sequence. VCF-style (leftmost placement, unchanged base first): chr17-38329549-AG-A. GRCh37 (hg19) VCF-style: chr17-36485432-AG-A.
Other names: short protein forms P1340fs.
Identifiers: ClinVar variation 1425356 (VCV001425356.8), dbSNP rs1262812040, ClinGen allele CA771682518.